The following is an entry in ClinVar:

ClinVar aggregate classification (germline): Uncertain significance (1 of 4 stars; one submission).

Allele frequency attached by ClinVar (database versions not stated): gnomAD exomes below 0.00001 and 0.00001; TOPMed below 0.00001.
gnomAD v4.1: 3 of 1,613,784 alleles (0.00019%); highest among the groups gnomAD compares: Non-Finnish European, 0.00025%; no homozygotes.

Submission:

Labcorp Genetics (formerly Invitae), Labcorp
Classification: Uncertain significance. Last evaluated: 2022-08-08. Review status: criteria provided, single submitter. Criteria: Invitae Variant Classification Sherloc (09022015). Collection method: clinical testing. Allele origin: germline.
Comment: In summary, the available evidence is currently insufficient to determine the role of this variant in disease. Therefore, it has been classified as a Variant of Uncertain Significance. Algorithms developed to predict the effect of missense changes on protein structure and function are either unavailable or do not agree on the potential impact of this missense change (SIFT: "Deleterious"; PolyPhen-2: "Benign"; Align-GVGD: "Class C0"). ClinVar contains an entry for this variant (Variation ID: 1373611). This variant has not been reported in the literature in individuals affected with ABCB4-related conditions. This variant is present in population databases (no rsID available, gnomAD 0.0009%). This sequence change replaces phenylalanine, which is neutral and non-polar, with leucine, which is neutral and non-polar, at codon 754 of the ABCB4 protein (p.Phe754Leu).

NM_000443.4(ABCB4):c.2260T>C (p.Phe754Leu)

Gene: ABCB4 (ATP binding cassette subfamily B member 4; minus strand). Cytogenetic location: 7q21.12.
Variant type: single nucleotide variant.
Coding change: c.2260T>C on transcript NM_000443.4 (MANE Select); coding-DNA position 2260, T replaced by C.
Protein change: p.Phe754Leu; replaces phenylalanine 754 with leucine.
Molecular consequence: missense variant.
Genome position (GRCh38, 1-based): chr7:87,422,177, A>G on the plus strand (T>C on the coding strand, the complement: ABCB4 is on the minus strand). VCF-style: chr7-87422177-A-G. GRCh37 (hg19) VCF-style: chr7-87051493-A-G.
Other names: c.2260T>C, p.Phe754Leu (NM_018849.3, NM_018850.3); short protein forms F754L.
Identifiers: ClinVar variation 1373611 (VCV001373611.6), dbSNP rs1156521640, ClinGen allele CA368063273.